The following is an entry in ClinVar:

NM_017617.5(NOTCH1):c.5019-6G>A

Gene: NOTCH1 (notch receptor 1; minus strand). Cytogenetic location: 9q34.3.
Variant type: single nucleotide variant.
Coding change: c.5019-6G>A on transcript NM_017617.5 (MANE Select); 6 bases into the intron before coding-DNA position 5019, G replaced by A.
Molecular consequence: intron variant.
Genome position (GRCh38, 1-based): chr9:136,503,336, C>T on the plus strand (G>A on the coding strand, the complement: NOTCH1 is on the minus strand). VCF-style: chr9-136503336-C-T. GRCh37 (hg19) VCF-style: chr9-139397788-C-T.
Other names: c.5019-6G>A (LRG_1122t1).
Identifiers: ClinVar variation 390720 (VCV000390720.16), dbSNP rs978561896, ClinGen allele CA5340456.

ClinVar aggregate classification (germline): Benign/Likely benign. Review status: criteria provided, multiple submitters, no conflicts (2 of 4 stars). 8 submissions from 7 submitters: Benign (1); Likely benign (7). Last evaluated 2025-12-19.

Conditions:
Familial thoracic aortic aneurysm and aortic dissection (TAAD). Also called: Thoracic aortic aneurysms and dissections. Identifiers: Orphanet 91387, MedGen C4707243, MONDO:0019625.
Aortic valve disease 1 (AOVD1). Identifiers: MedGen C3887892, MONDO:0024523, OMIM 109730.
Adams-Oliver syndrome 5 (AOS5). Identifiers: Orphanet 974, MedGen C4014970, MONDO:0014459, OMIM 616028.

Allele frequency attached by ClinVar (database versions not stated): ExAC 0.00007; gnomAD exomes 0.00008 and 0.00009; gnomAD 0.00009; TOPMed 0.00010.
gnomAD v4.1: 123 of 1,612,500 alleles (0.0076%); highest among the groups gnomAD compares: Admixed American, 0.018%; no homozygotes.

Submissions (8):

Labcorp Genetics (formerly Invitae), Labcorp
Classification: Likely benign for Adams-Oliver syndrome 5. Last evaluated: 2025-12-19. Review status: criteria provided, single submitter. Criteria: Invitae Variant Classification Sherloc (09022015). Collection method: clinical testing. Allele origin: germline.

Women's Health and Genetics/Laboratory Corporation of America, LabCorp
Classification: Benign. Last evaluated: 2024-06-26. Review status: criteria provided, single submitter. Criteria: LabCorp Variant Classification Summary - May 2015. Collection method: clinical testing. Allele origin: germline.
Comment: Variant summary: NOTCH1 c.5019-6G>A alters a non-conserved nucleotide located close to a canonical splice site and therefore could affect mRNA splicing, leading to a significantly altered protein sequence. Consensus agreement among computation tools predict no significant impact on normal splicing. However, these predictions have yet to be confirmed by functional studies. The variant allele was found at a frequency of 9.3e-05 in 247122 control chromosomes (gnomAD). The observed variant frequency is approximately 150-fold of the estimated maximal expected allele frequency for a pathogenic variant in NOTCH1 causing Adams-Oliver Syndrome 5 phenotype (6.3e-07). To our knowledge, no occurrence of c.5019-6G>A in individuals affected with Adams-Oliver Syndrome 5 and no experimental evidence demonstrating its impact on protein function have been reported. ClinVar contains an entry for this variant (Variation ID: 390720). Based on the evidence outlined above, the variant was classified as benign.

ARUP Laboratories, Molecular Genetics and Genomics, ARUP Laboratories
Classification: Likely benign. Last evaluated: 2023-03-21. Review status: criteria provided, single submitter. Criteria: ARUP Molecular Germline Variant Investigation Process 2024. Collection method: clinical testing. Allele origin: germline.

Genome-Nilou Lab
Classification: Likely benign for Adams-Oliver syndrome 5. Last evaluated: 2022-03-15. Review status: criteria provided, single submitter. Criteria: ACMG Guidelines, 2015. Collection method: clinical testing. Allele origin: germline. Affected: no.

Genome-Nilou Lab
Classification: Likely benign for Aortic valve disease 1. Last evaluated: 2022-03-15. Review status: criteria provided, single submitter. Criteria: ACMG Guidelines, 2015. Collection method: clinical testing. Allele origin: germline. Affected: no.

Blueprint Genetics
Classification: Likely benign. Last evaluated: 2019-11-08. Review status: criteria provided, single submitter. Criteria: ACMG Guidelines, 2015. Collection method: clinical testing. Allele origin: germline.

CHEO Genetics Diagnostic Laboratory, Children's Hospital of Eastern Ontario
Classification: Likely benign for Familial thoracic aortic aneurysm and aortic dissection. Last evaluated: 2019-05-01. Review status: criteria provided, single submitter. Criteria: ACMG Guidelines, 2015. Collection method: clinical testing. Allele origin: germline.

GeneDx
Classification: Likely benign. Last evaluated: 2017-11-14. Review status: criteria provided, single submitter. Criteria: GeneDx Variant Classification (06012015). Collection method: clinical testing. Allele origin: germline. Affected: yes.
Comment: This variant is considered likely benign or benign based on one or more of the following criteria: it is a conservative change, it occurs at a poorly conserved position in the protein, it is predicted to be benign by multiple in silico algorithms, and/or has population frequency not consistent with disease.

Literature cited by the submitters: PubMed 24943832 (cited by Women's Health and Genetics/Laboratory Corporation of America, LabCorp); PubMed 16614245 (cited by Women's Health and Genetics/Laboratory Corporation of America, LabCorp); PubMed 21670202 (cited by Women's Health and Genetics/Laboratory Corporation of America, LabCorp); PubMed 22210878 (cited by Women's Health and Genetics/Laboratory Corporation of America, LabCorp); PubMed 19635999 (cited by Women's Health and Genetics/Laboratory Corporation of America, LabCorp); PubMed 26837699 (cited by Women's Health and Genetics/Laboratory Corporation of America, LabCorp); PubMed 23086750 (cited by Women's Health and Genetics/Laboratory Corporation of America, LabCorp); PubMed 19245433 (cited by Women's Health and Genetics/Laboratory Corporation of America, LabCorp); PubMed 22077063 (cited by Women's Health and Genetics/Laboratory Corporation of America, LabCorp); PubMed 15472075 (cited by Women's Health and Genetics/Laboratory Corporation of America, LabCorp); PubMed 23734977 (cited by Women's Health and Genetics/Laboratory Corporation of America, LabCorp); PubMed 22858860 (cited by Women's Health and Genetics/Laboratory Corporation of America, LabCorp).